The following is an entry in ClinVar:

ClinVar aggregate classification (germline): Pathogenic (1 of 4 stars; one submission).

Conditions:
Mucopolysaccharidosis type 6 (MPS6). Also called: ARSB DEFICIENCY; ARYLSULFATASE B DEFICIENCY; MPS 6; Maroteaux Lamy syndrome; MPS VI; N-ACETYLGALACTOSAMINE-4-SULFATASE DEFICIENCY. Identifiers: Orphanet 583, MedGen C0026709, MONDO:0009661, OMIM 253200.

gnomAD v4.1: 3 of 1,613,992 alleles (0.00019%); highest among the groups gnomAD compares: Non-Finnish European, 0.00025%; no homozygotes.

Submission:

Labcorp Genetics (formerly Invitae), Labcorp
Classification: Pathogenic for Mucopolysaccharidosis type 6. Last evaluated: 2024-02-02. Review status: criteria provided, single submitter. Criteria: Invitae Variant Classification Sherloc (09022015). Collection method: clinical testing. Allele origin: germline.
Comment: This sequence change creates a premature translational stop signal (p.Leu183*) in the ARSB gene. It is expected to result in an absent or disrupted protein product. Loss-of-function variants in ARSB are known to be pathogenic (PMID: 17458871, 22133300). This variant is not present in population databases (gnomAD no frequency). This variant has not been reported in the literature in individuals affected with ARSB-related conditions. For these reasons, this variant has been classified as Pathogenic.

Literature cited by the submitters: PubMed 17458871; PubMed 22133300.

NM_000046.5(ARSB):c.548T>A (p.Leu183Ter)

Gene: ARSB (arylsulfatase B; minus strand). Cytogenetic location: 5q14.1.
Variant type: single nucleotide variant.
Coding change: c.548T>A on transcript NM_000046.5 (MANE Select); coding-DNA position 548, T replaced by A.
Protein change: p.Leu183Ter; replaces leucine 183 with a stop codon.
Molecular consequence: nonsense.
Genome position (GRCh38, 1-based): chr5:78,964,558, A>T on the plus strand (T>A on the coding strand, the complement: ARSB is on the minus strand). VCF-style: chr5-78964558-A-T. GRCh37 (hg19) VCF-style: chr5-78260381-A-T.
Other names: c.548T>A, p.Leu183Ter (NM_198709.3); short protein forms L183*.
Identifiers: ClinVar variation 3615712 (VCV003615712.2).